The following is an entry in ClinVar:

NM_004999.4(MYO6):c.2255G>T (p.Gly752Val)

Gene: MYO6 (myosin VI; plus strand). Cytogenetic location: 6q14.1.
Variant type: single nucleotide variant.
Coding change: c.2255G>T on transcript NM_004999.4 (MANE Select); coding-DNA position 2255, G replaced by T.
Protein change: p.Gly752Val; replaces glycine 752 with valine.
Molecular consequence: missense variant. On other transcripts: non-coding transcript variant (1).
Genome position (GRCh38, 1-based): chr6:75,880,089, G>T. VCF-style: chr6-75880089-G-T. GRCh37 (hg19) VCF-style: chr6-76589806-G-T.
Other names: c.2255G>T, p.Gly752Val (NM_001300899.2, NM_001368136.1, NM_001368137.1 and 2 more transcripts); c.2240G>T, p.Gly747Val (NM_001368138.1); short protein forms G752V, G747V.
Identifiers: ClinVar variation 4743885 (VCV004743885.1).
Genomic context (GRCh38, chr6:75,880,089, plus strand): 5'-CTTTTATTTTTCAGGCTTTGTTTAAAGCTTTGGGCTTAAATGAAAATGACTACAAGTTTG[G>T]GTTAACCAAAGTATTTTTTAGACCTGGCAAGGTAAATATACATTTTTTACTTTAAACTGT-3'
Protein context (NP_004990.3, residues 742-762): LGLNENDYKF[Gly752Val]LTKVFFRPGK

ClinVar aggregate classification (germline): Uncertain significance (1 of 4 stars; one submission).

gnomAD v4.1: 1 of 1,611,400 alleles (0.000062%); no homozygotes.

Submission:

Labcorp Genetics (formerly Invitae), Labcorp
Classification: Uncertain significance. Last evaluated: 2025-11-22. Review status: criteria provided, single submitter. Criteria: Invitae Variant Classification Sherloc (09022015). Collection method: clinical testing. Allele origin: germline.
Comment: This sequence change replaces glycine, which is neutral and non-polar, with valine, which is neutral and non-polar, at codon 752 of the MYO6 protein (p.Gly752Val). This variant is not present in population databases (gnomAD no frequency). This variant has not been reported in the literature in individuals affected with MYO6-related conditions. Invitae Evidence Modeling of protein sequence and biophysical properties (such as structural, functional, and spatial information, amino acid conservation, physicochemical variation, residue mobility, and thermodynamic stability) indicates that this missense variant is expected to disrupt MYO6 protein function with a positive predictive value of 80%. In summary, the available evidence is currently insufficient to determine the role of this variant in disease. Therefore, it has been classified as a Variant of Uncertain Significance.